The following is an entry in ClinVar:

ClinVar aggregate classification (germline): Conflicting classifications of pathogenicity. Review status: criteria provided, conflicting classifications (1 of 4 stars). 3 submissions from 2 submitters: Uncertain significance (2); Benign (1). Last evaluated 2024-12-13.

Conditions:
MYH9-related disorder. Identifiers: MedGen C1854520.
Autosomal dominant nonsyndromic hearing loss 17. Also called: Deafness, autosomal dominant 17; Autosomal dominant nonsyndromic deafness 17. Identifiers: Orphanet 90635, MedGen C1863659, MONDO:0011350, OMIM 603622.

Allele frequency attached by ClinVar (database versions not stated): gnomAD exomes 0.00003; ExAC 0.00004; ESP Exome Variant Server 0.00008.
gnomAD v4.1: 20 of 1,611,714 alleles (0.0012%); highest among the groups gnomAD compares: South Asian, 0.0022%; no homozygotes.

Submissions (3):

PreventionGenetics, part of Exact Sciences
Classification: Uncertain significance for MYH9-related condition. Last evaluated: 2024-12-13. Review status: criteria provided, single submitter. Criteria: ACMG Guidelines, 2015. Collection method: clinical testing. Allele origin: germline.
Comment: The MYH9 c.4972C>T variant is predicted to result in the amino acid substitution p.Arg1658Cys. To our knowledge, this variant has not been reported in the literature. This variant is reported in 0.0065% of alleles in individuals of South Asian descent in gnomAD. At this time, the clinical significance of this variant is uncertain due to the absence of conclusive functional and genetic evidence.

Illumina Laboratory Services, Illumina
Classification: Benign for MYH9-related disorder. Last evaluated: 2018-01-12. Review status: criteria provided, single submitter. Criteria: ICSL Variant Classification Criteria 13 December 2019. Collection method: clinical testing. Allele origin: germline.
Comment: This variant was observed in the ICSL laboratory as part of a predisposition screen in an ostensibly healthy population. It had not been previously curated by ICSL or reported in the Human Gene Mutation Database (HGMD: prior to June 1st, 2018), and was therefore a candidate for classification through an automated scoring system. Utilizing variant allele frequency, disease prevalence and penetrance estimates, and inheritance mode, an automated score was calculated to assess if this variant is too frequent to cause the disease. Based on the score and internal cut-off values, a variant classified as benign is not then subjected to further curation. The score for this variant resulted in a classification of benign for this disease.

Illumina Laboratory Services, Illumina
Classification: Uncertain significance for Autosomal dominant nonsyndromic hearing loss 17. Last evaluated: 2018-01-12. Review status: criteria provided, single submitter. Criteria: ICSL Variant Classification Criteria 13 December 2019. Collection method: clinical testing. Allele origin: germline.

NM_002473.6(MYH9):c.4972C>T (p.Arg1658Cys)

Gene: MYH9 (myosin heavy chain 9; minus strand). Cytogenetic location: 22q12.3.
Variant type: single nucleotide variant.
Coding change: c.4972C>T on transcript NM_002473.6 (MANE Select); coding-DNA position 4972, C replaced by T.
Protein change: p.Arg1658Cys; replaces arginine 1658 with cysteine.
Molecular consequence: missense variant.
Genome position (GRCh38, 1-based): chr22:36,286,807, G>A on the plus strand (C>T on the coding strand, the complement: MYH9 is on the minus strand). VCF-style: chr22-36286807-G-A. GRCh37 (hg19) VCF-style: chr22-36682853-G-A.
Other names: c.4972C>T (NM_002473.5); short protein forms R1658C.
Identifiers: ClinVar variation 341496 (VCV000341496.6), dbSNP rs143972348, ClinGen allele CA10209219.